The following is an entry in ClinVar:

ClinVar aggregate classification (germline): Uncertain significance (1 of 4 stars; one submission).

Conditions:
Lethal multiple pterygium syndrome (LMPS). Identifiers: Orphanet 33108, MedGen C1854678, MONDO:0009668, OMIM 253290.

Allele frequency attached by ClinVar (database versions not stated): gnomAD 0.00001; TOPMed 0.00001.
gnomAD v4.1: 27 of 1,614,082 alleles (0.0017%); highest among the groups gnomAD compares: South Asian, 0.018%; 1 homozygote.

Submission:

Labcorp Genetics (formerly Invitae), Labcorp
Classification: Uncertain significance for Lethal multiple pterygium syndrome. Last evaluated: 2024-06-16. Review status: criteria provided, single submitter. Criteria: Invitae Variant Classification Sherloc (09022015). Collection method: clinical testing. Allele origin: germline.
Comment: This sequence change replaces arginine, which is basic and polar, with cysteine, which is neutral and slightly polar, at codon 467 of the CHRND protein (p.Arg467Cys). This variant is present in population databases (no rsID available, gnomAD 0.01%). This variant has not been reported in the literature in individuals affected with CHRND-related conditions. Advanced modeling of protein sequence and biophysical properties (such as structural, functional, and spatial information, amino acid conservation, physicochemical variation, residue mobility, and thermodynamic stability) performed at Invitae indicates that this missense variant is not expected to disrupt CHRND protein function with a negative predictive value of 80%. In summary, the available evidence is currently insufficient to determine the role of this variant in disease. Therefore, it has been classified as a Variant of Uncertain Significance.

NM_000751.3(CHRND):c.1399C>T (p.Arg467Cys)

Gene: CHRND (cholinergic receptor nicotinic delta subunit; plus strand). Cytogenetic location: 2q37.1.
Variant type: single nucleotide variant.
Coding change: c.1399C>T on transcript NM_000751.3 (MANE Select); coding-DNA position 1399, C replaced by T.
Protein change: p.Arg467Cys; replaces arginine 467 with cysteine.
Molecular consequence: missense variant.
Genome position (GRCh38, 1-based): chr2:232,535,157, C>T. VCF-style: chr2-232535157-C-T. GRCh37 (hg19) VCF-style: chr2-233399867-C-T.
Other names: c.1354C>T, p.Arg452Cys (NM_001256657.2); c.817C>T, p.Arg273Cys (NM_001311195.2); c.1096C>T, p.Arg366Cys (NM_001311196.2); short protein forms R467C, R273C, R452C, R366C.
Identifiers: ClinVar variation 2901459 (VCV002901459.3), dbSNP rs1248113231, ClinGen allele CA351005944.